The following is an entry in ClinVar:

ClinVar aggregate classification (germline): Uncertain significance. Review status: criteria provided, multiple submitters, no conflicts (2 of 4 stars). 2 submissions from 2 submitters: Uncertain significance (2). Last evaluated 2025-12-08.

Conditions:
Cardiovascular phenotype. Identifiers: MedGen CN230736.
Hereditary cancer-predisposing syndrome. Also called: Neoplastic Syndromes, Hereditary; Tumor predisposition; Hereditary neoplastic syndrome; Hereditary Cancer Syndrome. Identifiers: Orphanet 140162, MedGen C0027672, MeSH D009386, MONDO:0015356.
Neurofibromatosis, type 1 (NF1). Also called: NEUROFIBROMATOSIS, TYPE I, SOMATIC; Neurofibromatosis, type I; VON RECKLINGHAUSEN DISEASE; Peripheral type neurofibromatosis. Identifiers: Orphanet 636, MedGen C0027831, MONDO:0018975, OMIM 162200. Disease mechanism: loss of function.

Submissions (2):

Ambry Genetics
Classification: Uncertain significance for Cardiovascular phenotype; Hereditary cancer-predisposing syndrome. Last evaluated: 2025-12-08. Review status: criteria provided, single submitter. Criteria: Ambry Variant Classification Scheme 2023. Collection method: clinical testing. Allele origin: germline.
Comment: The p.S1380N variant (also known as c.4139G>A), located in coding exon 31 of the NF1 gene, results from a G to A substitution at nucleotide position 4139. The serine at codon 1380 is replaced by asparagine, an amino acid with highly similar properties. This amino acid position is highly conserved in available vertebrate species. In addition, the in silico prediction for this alteration is inconclusive. Based on the available evidence, the clinical significance of this variant remains unclear.

Labcorp Genetics (formerly Invitae), Labcorp
Classification: Uncertain significance for Neurofibromatosis, type 1. Last evaluated: 2025-10-27. Review status: criteria provided, single submitter. Criteria: Invitae Variant Classification Sherloc (09022015). Collection method: clinical testing. Allele origin: germline.
Comment: This sequence change replaces serine, which is neutral and polar, with asparagine, which is neutral and polar, at codon 1380 of the NF1 protein (p.Ser1380Asn). This variant is not present in population databases (gnomAD no frequency). This variant has not been reported in the literature in individuals affected with NF1-related conditions. ClinVar contains an entry for this variant (Variation ID: 1487503). Invitae Evidence Modeling of protein sequence and biophysical properties (such as structural, functional, and spatial information, amino acid conservation, physicochemical variation, residue mobility, and thermodynamic stability) has been performed for this missense variant. However, the output from this modeling did not meet the statistical confidence thresholds required to predict the impact of this variant on NF1 protein function. In summary, the available evidence is currently insufficient to determine the role of this variant in disease. Therefore, it has been classified as a Variant of Uncertain Significance.

NM_001042492.3(NF1):c.4202G>A (p.Ser1401Asn)

Gene: NF1 (neurofibromin 1; plus strand). Cytogenetic location: 17q11.2.
Variant type: single nucleotide variant.
Coding change: c.4202G>A on transcript NM_001042492.3 (MANE Select); coding-DNA position 4202, G replaced by A.
Protein change: p.Ser1401Asn; replaces serine 1401 with asparagine.
Molecular consequence: missense variant.
Genome position (GRCh38, 1-based): chr17:31,258,372, G>A. VCF-style: chr17-31258372-G-A. GRCh37 (hg19) VCF-style: chr17-29585390-G-A.
Other names: c.4139G>A, p.Ser1380Asn (NM_000267.4); short protein forms S1380N, S1401N.
Identifiers: ClinVar variation 1487503 (VCV001487503.9), dbSNP rs1060500249, ClinGen allele CA398997630.